The following is an entry in ClinVar:

ClinVar aggregate classification (germline): Uncertain significance (1 of 4 stars; one submission).

Allele frequency attached by ClinVar (database versions not stated): TOPMed below 0.00001; ExAC 0.00001; gnomAD 0.00001; gnomAD exomes 0.00001.
gnomAD v4.1: 11 of 1,613,310 alleles (0.00068%); highest among the groups gnomAD compares: East Asian, 0.022%; no homozygotes.

Submission:

Labcorp Genetics (formerly Invitae), Labcorp
Classification: Uncertain significance. Last evaluated: 2022-07-20. Review status: criteria provided, single submitter. Criteria: Invitae Variant Classification Sherloc (09022015). Collection method: clinical testing. Allele origin: germline.
Comment: In summary, the available evidence is currently insufficient to determine the role of this variant in disease. Therefore, it has been classified as a Variant of Uncertain Significance. Algorithms developed to predict the effect of missense changes on protein structure and function are either unavailable or do not agree on the potential impact of this missense change (SIFT: "Tolerated"; PolyPhen-2: "Probably Damaging"; Align-GVGD: "Class C0"). This variant has not been reported in the literature in individuals affected with LAMC3-related conditions. This variant is present in population databases (rs755560360, gnomAD 0.03%). This sequence change replaces leucine, which is neutral and non-polar, with valine, which is neutral and non-polar, at codon 1560 of the LAMC3 protein (p.Leu1560Val).

NM_006059.4(LAMC3):c.4678C>G (p.Leu1560Val)

Gene: LAMC3 (laminin subunit gamma 3; plus strand). Cytogenetic location: 9q34.12.
Variant type: single nucleotide variant.
Coding change: c.4678C>G on transcript NM_006059.4 (MANE Select); coding-DNA position 4678, C replaced by G.
Protein change: p.Leu1560Val; replaces leucine 1560 with valine.
Molecular consequence: missense variant.
Genome position (GRCh38, 1-based): chr9:131,091,737, C>G. VCF-style: chr9-131091737-C-G. GRCh37 (hg19) VCF-style: chr9-133967124-C-G.
Other names: short protein forms L1560V.
Identifiers: ClinVar variation 1952887 (VCV001952887.5), dbSNP rs755560360, ClinGen allele CA5288254.